The following is an entry in ClinVar:

NM_004370.6(COL12A1):c.5664+3A>G

Gene: COL12A1 (collagen type XII alpha 1 chain; minus strand). Cytogenetic location: 6q13.
Variant type: single nucleotide variant.
Coding change: c.5664+3A>G on transcript NM_004370.6 (MANE Select); 3 bases into the intron after coding-DNA position 5664, A replaced by G.
Molecular consequence: intron variant.
Genome position (GRCh38, 1-based): chr6:75,133,855, T>C on the plus strand (A>G on the coding strand, the complement: COL12A1 is on the minus strand). VCF-style: chr6-75133855-T-C. GRCh37 (hg19) VCF-style: chr6-75843571-T-C.
Other names: c.2172+3A>G (NM_080645.3).
Identifiers: ClinVar variation 1394550 (VCV001394550.6), dbSNP rs2149387981, ClinGen allele CA2573141138.
Genomic context (GRCh38, chr6:75,133,855, plus strand): 5'-ACTTTTAAATCACTCAGCTACCATTTAAACAAACTAGCATTTTTTACTACAAGAAATAAT[T>C]ACCAGTTCCTCTGGACCACCTGCTGCTGGTGCATAGAAGAGCTTGTACTGACGAGGATTT-3'

ClinVar aggregate classification (germline): Uncertain significance (1 of 4 stars; one submission).

Conditions:
Ullrich congenital muscular dystrophy 2 (UCMD2). Identifiers: Orphanet 75840, MedGen C4225314, MONDO:0014654, OMIM 616470.
Bethlem myopathy 2 (BTHLM2). Identifiers: Orphanet 536516, Orphanet 610, MedGen C4225313, MONDO:0034022, OMIM 616471.

Submission:

Labcorp Genetics (formerly Invitae), Labcorp
Classification: Uncertain significance for Bethlem myopathy 2; Ullrich congenital muscular dystrophy 2. Last evaluated: 2023-04-24. Review status: criteria provided, single submitter. Criteria: Invitae Variant Classification Sherloc (09022015). Collection method: clinical testing. Allele origin: germline.
Comment: ClinVar contains an entry for this variant (Variation ID: 1394550). This variant has not been reported in the literature in individuals affected with COL12A1-related conditions. This variant is not present in population databases (gnomAD no frequency). This sequence change falls in intron 33 of the COL12A1 gene. It does not directly change the encoded amino acid sequence of the COL12A1 protein. It affects a nucleotide within the consensus splice site. Variants that disrupt the consensus splice site are a relatively common cause of aberrant splicing (PMID: 17576681, 9536098). Algorithms developed to predict the effect of sequence changes on RNA splicing suggest that this variant may create or strengthen a splice site. In summary, the available evidence is currently insufficient to determine the role of this variant in disease. Therefore, it has been classified as a Variant of Uncertain Significance.

Literature cited by the submitters: PubMed 17576681; PubMed 9536098.